The following is an entry in ClinVar:

NM_032178.3(SLC7A6OS):c.669A>G (p.Glu223=)

Gene: SLC7A6OS (solute carrier family 7 member 6 opposite strand; minus strand). Cytogenetic location: 16q22.1.
Variant type: single nucleotide variant.
Coding change: c.669A>G on transcript NM_032178.3 (MANE Select); coding-DNA position 669, A replaced by G.
Protein change: p.Glu223=; no amino-acid change (glutamic acid 223 retained).
Molecular consequence: synonymous variant.
Genome position (GRCh38, 1-based): chr16:68,304,035, T>C on the plus strand (A>G on the coding strand, the complement: SLC7A6OS is on the minus strand). VCF-style: chr16-68304035-T-C. GRCh37 (hg19) VCF-style: chr16-68337938-T-C.
Identifiers: ClinVar variation 2498669 (VCV002498669.29), dbSNP rs143239221, ClinGen allele CA8126671.

ClinVar aggregate classification (germline): Likely benign. Review status: criteria provided, multiple submitters, no conflicts (2 of 4 stars). 2 submissions from 2 submitters: Likely benign (2). Last evaluated 2026-09-01.

Allele frequency attached by ClinVar (database versions not stated): 1000 Genomes Project 0.00160; 1000 Genomes Project 30x 0.00187; ExAC 0.00367; TOPMed 0.00500; gnomAD 0.00503; ESP Exome Variant Server 0.00669; gnomAD exomes 0.00776.

Submissions (2):

CeGaT Center for Human Genetics Tuebingen
Classification: Likely benign. Last evaluated: 2026-09-01. Review status: criteria provided, single submitter. Criteria: CeGaT Center For Human Genetics Tuebingen Variant Classification Criteria Version 2. Collection method: clinical testing. Allele origin: germline. Affected: yes. Observed: 10 variant alleles.
Comment: SLC7A6OS: BP4, BP7, BS2

Blueprint Genetics
Classification: Likely benign. Last evaluated: 2024-11-21. Review status: criteria provided, single submitter. Criteria: ACMG Guidelines, 2015. Collection method: clinical testing. Allele origin: germline.